The following is an entry in ClinVar:

ClinVar aggregate classification (germline): Uncertain significance. Review status: criteria provided, multiple submitters, no conflicts (2 of 4 stars). 2 submissions from 2 submitters: Uncertain significance (2). Last evaluated 2026-04-01.

Conditions:
Combined oxidative phosphorylation defect type 17. Also called: Combined oxidative phosphorylation deficiency 17. Identifiers: Orphanet 369913, MedGen C3809526, MONDO:0014190, OMIM 615440.

Allele frequency attached by ClinVar (database versions not stated): gnomAD 0.00015 and 0.00016; TOPMed 0.00010; ESP Exome Variant Server 0.00023; ExAC 0.00016.

Submissions (2):

GeneDx
Classification: Uncertain significance. Last evaluated: 2026-04-01. Review status: criteria provided, single submitter. Criteria: GeneDx Variant Classification Process June 2021. Collection method: clinical testing. Allele origin: germline.
Comment: In silico analysis suggests that this missense variant does not alter protein structure/function; Has not been previously published as pathogenic or benign to our knowledge; This variant is associated with the following publications: (PMID: 11522646)

Labcorp Genetics (formerly Invitae), Labcorp
Classification: Uncertain significance for Combined oxidative phosphorylation defect type 17. Last evaluated: 2022-10-03. Review status: criteria provided, single submitter. Criteria: Invitae Variant Classification Sherloc (09022015). Collection method: clinical testing. Allele origin: germline.
Comment: This sequence change replaces arginine, which is basic and polar, with glutamine, which is neutral and polar, at codon 211 of the ELAC2 protein (p.Arg211Gln). This variant is present in population databases (rs148419785, gnomAD 0.1%). This variant has not been reported in the literature in individuals affected with ELAC2-related conditions. ClinVar contains an entry for this variant (Variation ID: 1390227). Algorithms developed to predict the effect of missense changes on protein structure and function (SIFT, PolyPhen-2, Align-GVGD) all suggest that this variant is likely to be tolerated. In summary, the available evidence is currently insufficient to determine the role of this variant in disease. Therefore, it has been classified as a Variant of Uncertain Significance.

NM_018127.7(ELAC2):c.632G>A (p.Arg211Gln)

Gene: ELAC2 (elaC ribonuclease Z 2; minus strand). Cytogenetic location: 17p12.
Variant type: single nucleotide variant.
Coding change: c.632G>A on transcript NM_018127.7 (MANE Select); coding-DNA position 632, G replaced by A.
Protein change: p.Arg211Gln; replaces arginine 211 with glutamine.
Molecular consequence: missense variant. On other transcripts: intron variant (1).
Genome position (GRCh38, 1-based): chr17:13,011,710, C>T on the plus strand (G>A on the coding strand, the complement: ELAC2 is on the minus strand). VCF-style: chr17-13011710-C-T. GRCh37 (hg19) VCF-style: chr17-12915027-C-T.
Other names: c.632G>A, p.Arg211Gln (NM_173717.2); c.560-1039G>A (NM_001165962.2); c.632G>A (NM_018127.6); short protein forms R211Q.
Identifiers: ClinVar variation 1390227 (VCV001390227.4), dbSNP rs148419785, ClinGen allele CA8401571.